The following is an entry in ClinVar:

ClinVar aggregate classification (germline): Uncertain significance. Review status: criteria provided, multiple submitters, no conflicts (2 of 4 stars). 2 submissions from 2 submitters: Uncertain significance (2). Last evaluated 2024-11-18.

Conditions:
Peroxisome biogenesis disorder 3A (Zellweger). Also called: PEROXISOMAL BIOGENESIS DISORDER 3A (ZELLWEGER); Peroxisome biogenesis disorder 3A. Identifiers: Orphanet 912, MedGen C3553929, MONDO:0013927, OMIM 614859.
Inborn genetic diseases. Identifiers: MedGen C0950123, MeSH D030342.

Allele frequency attached by ClinVar (database versions not stated): gnomAD exomes below 0.00001 and 0.00001; TOPMed 0.00001; ExAC 0.00002.
gnomAD v4.1: 2 of 1,614,188 alleles (0.00012%); highest among the groups gnomAD compares: African/African-American, 0.0027%; no homozygotes.

Submissions (2):

Labcorp Genetics (formerly Invitae), Labcorp
Classification: Uncertain significance for Peroxisome biogenesis disorder 3A (Zellweger). Last evaluated: 2024-11-18. Review status: criteria provided, single submitter. Criteria: Invitae Variant Classification Sherloc (09022015). Collection method: clinical testing. Allele origin: germline.
Comment: This sequence change replaces alanine, which is neutral and non-polar, with proline, which is neutral and non-polar, at codon 25 of the PEX12 protein (p.Ala25Pro). This variant is present in population databases (rs762591605, gnomAD 0.01%). This variant has not been reported in the literature in individuals affected with PEX12-related conditions. ClinVar contains an entry for this variant (Variation ID: 1472880). Invitae Evidence Modeling of protein sequence and biophysical properties (such as structural, functional, and spatial information, amino acid conservation, physicochemical variation, residue mobility, and thermodynamic stability) indicates that this missense variant is expected to disrupt PEX12 protein function with a positive predictive value of 80%. In summary, the available evidence is currently insufficient to determine the role of this variant in disease. Therefore, it has been classified as a Variant of Uncertain Significance.

Ambry Genetics
Classification: Uncertain significance for Inborn genetic diseases. Last evaluated: 2022-12-19. Review status: criteria provided, single submitter. Criteria: Ambry Variant Classification Scheme 2023. Collection method: clinical testing. Allele origin: germline.

NM_000286.3(PEX12):c.73G>C (p.Ala25Pro)

Gene: PEX12 (peroxisomal biogenesis factor 12; minus strand). Cytogenetic location: 17q12.
Variant type: single nucleotide variant.
Coding change: c.73G>C on transcript NM_000286.3 (MANE Select); coding-DNA position 73, G replaced by C.
Protein change: p.Ala25Pro; replaces alanine 25 with proline.
Molecular consequence: missense variant.
Genome position (GRCh38, 1-based): chr17:35,577,949, C>G on the plus strand (G>C on the coding strand, the complement: PEX12 is on the minus strand). VCF-style: chr17-35577949-C-G. GRCh37 (hg19) VCF-style: chr17-33904968-C-G.
Other names: c.73G>C (NM_000286.2); short protein forms A25P.
Identifiers: ClinVar variation 1472880 (VCV001472880.9), dbSNP rs762591605, ClinGen allele CA8504990.